The following is an entry in ClinVar:

ClinVar aggregate classification (germline): Pathogenic/Likely pathogenic. Review status: criteria provided, multiple submitters, no conflicts (2 of 4 stars). 4 submissions from 4 submitters: Pathogenic (3); Likely pathogenic (1). Last evaluated 2025-04-10.

Conditions:
DICER1-related tumor predisposition. Also called: DICER1 syndrome; DICER1-related pleuropulmonary blastoma cancer predisposition syndrome. Identifiers: Orphanet 284343, MedGen C3839822, MONDO:0100216.
Hereditary cancer-predisposing syndrome. Also called: Hereditary neoplastic syndrome; Neoplastic Syndromes, Hereditary; Hereditary Cancer Syndrome; Tumor predisposition. Identifiers: Orphanet 140162, MedGen C0027672, MeSH D009386, MONDO:0015356.

Submissions (4):

Molecular Pathology, Peter Maccallum Cancer Centre
Classification: Pathogenic for DICER1-related tumor predisposition. Last evaluated: 2025-04-10. Review status: criteria provided, single submitter. Criteria: ACMG Guidelines, 2015. Collection method: clinical testing. Allele origin: germline. Inheritance: Autosomal dominant inheritance.

Ambry Genetics
Classification: Likely pathogenic for Hereditary cancer-predisposing syndrome. Last evaluated: 2024-04-02. Review status: criteria provided, single submitter. Criteria: Ambry Variant Classification Scheme 2023. Collection method: clinical testing. Allele origin: germline.
Comment: The c.1376+1G>A intronic variant results from a G to A substitution one nucleotide after coding exon 7 of the DICER1 gene. This variant has been reported in the germline of a young child diagnosed with numerous DICER1-related tumors (Schultz KA et al. Pathol Case Rev. 2014 Mar;19:90-100). This variant is considered to be rare based on population cohorts in the Genome Aggregation Database (gnomAD). This nucleotide position is highly conserved in available vertebrate species. In silico splice site analysis predicts that this alteration will weaken the native splice donor site and may result in the creation or strengthening of a novel splice donor site. In addition to the clinical data presented in the literature, alterations that disrupt the canonical splice site are expected to cause aberrant splicing, resulting in an abnormal protein or a transcript that is subject to nonsense-mediated mRNA decay. As such, this alteration is classified as likely pathogenic.

Labcorp Genetics (formerly Invitae), Labcorp
Classification: Pathogenic for DICER1-related tumor predisposition. Last evaluated: 2023-04-22. Review status: criteria provided, single submitter. Criteria: Invitae Variant Classification Sherloc (09022015). Collection method: clinical testing. Allele origin: germline.
Comment: For these reasons, this variant has been classified as Pathogenic. Algorithms developed to predict the effect of sequence changes on RNA splicing suggest that this variant may disrupt the consensus splice site. ClinVar contains an entry for this variant (Variation ID: 573393). Disruption of this splice site has been observed in individuals with clinical features of DICER1 syndrome (PMID: 25356068; Invitae). This variant is not present in population databases (gnomAD no frequency). This sequence change affects a donor splice site in intron 8 of the DICER1 gene. It is expected to disrupt RNA splicing. Variants that disrupt the donor or acceptor splice site typically lead to a loss of protein function (PMID: 16199547), and loss-of-function variants in DICER1 are known to be pathogenic (PMID: 19556464, 21266384).

Foulkes Cancer Genetics LDI, Lady Davis Institute for Medical Research
Classification: Pathogenic for Pleuropulmonary blastoma. Last evaluated: 2019-07-01. Review status: criteria provided, single submitter. Criteria: ACMG Guidelines, 2015. Collection method: curation. Allele origin: germline. Affected: yes. Observed: 2 variant alleles.
Comment: ACMG criteria met: PVS1, PM2, PM7, PP4

Literature cited by the submitters: PubMed 25356068 (cited by 3 submitters); PubMed 16199547 (cited by Labcorp Genetics (formerly Invitae), Labcorp); PubMed 19556464 (cited by Labcorp Genetics (formerly Invitae), Labcorp); PubMed 21266384 (cited by Labcorp Genetics (formerly Invitae), Labcorp); PubMed 28654427 (cited by Foulkes Cancer Genetics LDI, Lady Davis Institute for Medical Research).

NM_177438.3(DICER1):c.1376+1G>A

Gene: DICER1 (dicer 1, ribonuclease III; minus strand). Cytogenetic location: 14q32.13.
Variant type: single nucleotide variant.
Coding change: c.1376+1G>A on transcript NM_177438.3 (MANE Select); the canonical splice donor site of the intron after coding-DNA position 1376, G replaced by A.
Molecular consequence: splice donor variant. On other transcripts: synonymous variant (1).
Genome position (GRCh38, 1-based): chr14:95,124,195, C>T on the plus strand (G>A on the coding strand, the complement: DICER1 is on the minus strand). VCF-style: chr14-95124195-C-T. GRCh37 (hg19) VCF-style: chr14-95590532-C-T.
Other names: c.1377G>A, p.Arg459= (NM_001395700.1); c.1376+1G>A (NM_001291628.2, NM_030621.4, NM_001395677.1 and 13 more transcripts); c.971+1G>A (NM_001395690.1, NM_001395687.1, NM_001395689.1 and 3 more transcripts); c.1094+1G>A (NM_001395686.1); c.809+1G>A (NM_001395691.1); c.-193+1G>A (NM_001395697.1).
Identifiers: ClinVar variation 573393 (VCV000573393.19), dbSNP rs886037670, ClinGen allele CA390886104.